The following is an entry in ClinVar:

NM_004004.6(GJB2):c.-127G>C

Gene: GJB2 (gap junction protein beta 2; minus strand). Cytogenetic location: 13q12.11.
Variant type: single nucleotide variant.
Coding change: c.-127G>C on transcript NM_004004.6 (MANE Select); 127 bases upstream of the start codon, G replaced by C.
Molecular consequence: 5 prime UTR variant.
Genome position (GRCh38, 1-based): chr13:20,192,887, C>G on the plus strand (G>C on the coding strand, the complement: GJB2 is on the minus strand). VCF-style: chr13-20192887-C-G. GRCh37 (hg19) VCF-style: chr13-20767026-C-G.
Identifiers: ClinVar variation 163524 (VCV000163524.6), dbSNP rs727503068, ClinGen allele CA176162.

ClinVar aggregate classification (germline): Uncertain significance. Review status: criteria provided, multiple submitters, no conflicts (2 of 4 stars). 2 submissions from 2 submitters: Uncertain significance (2). Last evaluated 2021-05-17.

Allele frequency attached by ClinVar (database versions not stated): 1000 Genomes Project 30x 0.00016; gnomAD 0.00023 and 0.00024; TOPMed 0.00024.

Submissions (2):

Women's Health and Genetics/Laboratory Corporation of America, LabCorp
Classification: Uncertain significance. Last evaluated: 2021-05-17. Review status: criteria provided, single submitter. Criteria: LabCorp Variant Classification Summary - May 2015. Collection method: clinical testing. Allele origin: germline.
Comment: Variant summary: GJB2 c.-127G>C is located in the untranslated mRNA region upstream of the initiation codon. 4/4 computational tools predict no significant impact on normal splicing. However, these predictions have yet to be confirmed by functional studies. The variant allele was found at a frequency of 0.00022 in 31242 control chromosomes. The available data on variant occurrences in the general population are insufficient to allow any conclusion about variant significance. To our knowledge, no occurrence of c.-127G>C in individuals affected with Autosomal Recessive Non-Syndromic Hearing Loss and no experimental evidence demonstrating its impact on protein function have been reported. No clinical diagnostic laboratories have submitted clinical-significance assessments for this variant to ClinVar after 2014. Based on the evidence outlined above, the variant was classified as uncertain significance.

Laboratory for Molecular Medicine, Mass General Brigham Personalized Medicine
Classification: Uncertain significance. Last evaluated: 2014-07-16. Review status: criteria provided, single submitter. Criteria: LMM Criteria. Collection method: clinical testing. Allele origin: germline. Observed: 3 variant alleles.
Comment: Variant classified as Uncertain Significance - Favor Benign. The -127G>C variant in GJB2 has previously been identified by our laboratory in two individuals wit h hearing loss. However, a second GJB2 variant was not found in either of them. This variant is located in the 5?untranslated region (5'UTR), and variants in th is region could have an effect on transcriptional or translational regulation. H owever, no pathogenic variants have been reported in the 5?UTR of GJB2. In summa ry, although the clinical significance of this variant cannot be determined with certainty at this time, we would lean towards a more likely benign role.